The following is an entry in ClinVar:

NM_033026.6(PCLO):c.6140C>G (p.Thr2047Ser)

Gene: PCLO (piccolo presynaptic cytomatrix protein; minus strand). Cytogenetic location: 7q21.11.
Variant type: single nucleotide variant.
Coding change: c.6140C>G on transcript NM_033026.6 (MANE Select); coding-DNA position 6140, C replaced by G.
Protein change: p.Thr2047Ser; replaces threonine 2047 with serine.
Molecular consequence: missense variant.
Genome position (GRCh38, 1-based): chr7:82,954,813, G>C on the plus strand (C>G on the coding strand, the complement: PCLO is on the minus strand). VCF-style: chr7-82954813-G-C. GRCh37 (hg19) VCF-style: chr7-82584129-G-C.
Other names: c.6140C>G, p.Thr2047Ser (NM_014510.3); short protein forms T2047S.
Identifiers: ClinVar variation 3009873 (VCV003009873.3), dbSNP rs1262418266, ClinGen allele CA367920524.
Genomic context (GRCh38, chr7:82,954,813, plus strand): 5'-TCTTCATAGGCAGCATCAGCATCTAGTAGTTTCCTTTCTTCTTCTGTAGAAGTTACCATA[G>C]TACCCAGGTCCACTATCTCATGGCTTTCTGGGATGATAAAAGAGCTTGAAACAATATCTT-3'
Protein context (NP_149015.2, residues 2037-2057): PESHEIVDLG[Thr2047Ser]MVTSTEEERK

ClinVar aggregate classification (germline): Uncertain significance (1 of 4 stars; one submission).

gnomAD v4.1: 1 of 1,613,790 alleles (0.000062%); highest among the groups gnomAD compares: Admixed American, 0.0017%; no homozygotes.

Submission:

Labcorp Genetics (formerly Invitae), Labcorp
Classification: Uncertain significance. Last evaluated: 2023-11-13. Review status: criteria provided, single submitter. Criteria: Invitae Variant Classification Sherloc (09022015). Collection method: clinical testing. Allele origin: germline.
Comment: This sequence change replaces threonine, which is neutral and polar, with serine, which is neutral and polar, at codon 2047 of the PCLO protein (p.Thr2047Ser). This variant is present in population databases (no rsID available, gnomAD 0.003%). This variant has not been reported in the literature in individuals affected with PCLO-related conditions. Algorithms developed to predict the effect of missense changes on protein structure and function output the following: SIFT: "Not Available"; PolyPhen-2: "Not Available"; Align-GVGD: "Not Available". The serine amino acid residue is found in multiple mammalian species, which suggests that this missense change does not adversely affect protein function. In summary, the available evidence is currently insufficient to determine the role of this variant in disease. Therefore, it has been classified as a Variant of Uncertain Significance.